The following is an entry in ClinVar:

NM_000051.4(ATM):c.4020A>C (p.Leu1340Phe)

Gene: ATM (ATM serine/threonine kinase; plus strand). Cytogenetic location: 11q22.3.
Variant type: single nucleotide variant.
Coding change: c.4020A>C on transcript NM_000051.4 (MANE Select); coding-DNA position 4020, A replaced by C.
Protein change: p.Leu1340Phe; replaces leucine 1340 with phenylalanine.
Molecular consequence: missense variant.
Genome position (GRCh38, 1-based): chr11:108,287,626, A>C. VCF-style: chr11-108287626-A-C. GRCh37 (hg19) VCF-style: chr11-108158353-A-C.
Other names: c.4020A>C, p.Leu1340Phe (NM_001351834.2); short protein forms L1340F.
Identifiers: ClinVar variation 2874074 (VCV002874074.5), dbSNP rs1555095888, ClinGen allele CA382527627.
Genomic context (GRCh38, chr11:108,287,626, plus strand): 5'-ATATTAAATATATTTTAATTTTGTGCCCTTGCAGATTGATCACTTATTCATTAGTAATTT[A>C]CCAGAGATTGTGGTGGAGTTATTGATGACGTTACATGAGCCAGCAAATTCTAGTGCCAGT-3'
Protein context (NP_000042.3, residues 1330-1350): KQIDHLFISN[Leu1340Phe]PEIVVELLMT

ClinVar aggregate classification (germline): Uncertain significance. Review status: criteria provided, multiple submitters, no conflicts (2 of 4 stars). 2 submissions from 2 submitters: Uncertain significance (2). Last evaluated 2026-05-05.

Conditions:
Hereditary cancer-predisposing syndrome. Also called: Hereditary neoplastic syndrome; Neoplastic Syndromes, Hereditary; Tumor predisposition; Hereditary Cancer Syndrome. Identifiers: Orphanet 140162, MedGen C0027672, MeSH D009386, MONDO:0015356.
Ataxia-telangiectasia syndrome (AT). Also called: ATAXIA-TELANGIECTASIA, COMPLEMENTATION GROUP A; ATAXIA-TELANGIECTASIA, FRESNO VARIANT; Ataxia-telangiectasia; LOUIS-BAR SYNDROME; Cerebello-oculocutaneous telangiectasia; Immunodeficiency with ataxia telangiectasia. Identifiers: Orphanet 100, MedGen C0004135, MONDO:0008840, OMIM 208900.

Allele frequency attached by ClinVar (database versions not stated): TOPMed below 0.00001.

Submissions (2):

Ambry Genetics
Classification: Uncertain significance for Hereditary cancer-predisposing syndrome. Last evaluated: 2026-05-05. Review status: criteria provided, single submitter. Criteria: Ambry Variant Classification Scheme 2023. Collection method: clinical testing. Allele origin: germline.
Comment: The p.L1340F variant (also known as c.4020A>C), located in coding exon 26 of the ATM gene, results from an A to C substitution at nucleotide position 4020. The leucine at codon 1340 is replaced by phenylalanine, an amino acid with highly similar properties. In an assay testing ATM function, this variant showed a functionally normal result (Lee KS et al. Cell, 2025 Sep;188:5081-5099.e27).This amino acid position is highly conserved in available vertebrate species. In addition, the in silico prediction for this alteration is inconclusive. Based on the available evidence, the clinical significance of this variant remains unclear.

Labcorp Genetics (formerly Invitae), Labcorp
Classification: Uncertain significance for Ataxia-telangiectasia syndrome. Last evaluated: 2022-12-26. Review status: criteria provided, single submitter. Criteria: Invitae Variant Classification Sherloc (09022015). Collection method: clinical testing. Allele origin: germline.
Comment: This variant is not present in population databases (gnomAD no frequency). In summary, the available evidence is currently insufficient to determine the role of this variant in disease. Therefore, it has been classified as a Variant of Uncertain Significance. Algorithms developed to predict the effect of missense changes on protein structure and function are either unavailable or do not agree on the potential impact of this missense change (SIFT: "Deleterious"; PolyPhen-2: "Probably Damaging"; Align-GVGD: "Class C15"). This variant has not been reported in the literature in individuals affected with ATM-related conditions. This sequence change replaces leucine, which is neutral and non-polar, with phenylalanine, which is neutral and non-polar, at codon 1340 of the ATM protein (p.Leu1340Phe).

Literature cited by the submitters: PubMed 40580951 (cited by Ambry Genetics).